The following is an entry in ClinVar:

NM_006206.6(PDGFRA):c.1850G>C (p.Arg617Pro)

Gene: PDGFRA (platelet derived growth factor receptor alpha; plus strand). Cytogenetic location: 4q12.
Variant type: single nucleotide variant.
Coding change: c.1850G>C on transcript NM_006206.6 (MANE Select); coding-DNA position 1850, G replaced by C.
Protein change: p.Arg617Pro; replaces arginine 617 with proline.
Molecular consequence: missense variant.
Genome position (GRCh38, 1-based): chr4:54,277,451, G>C. VCF-style: chr4-54277451-G-C. GRCh37 (hg19) VCF-style: chr4-55143618-G-C.
Other names: c.1850G>C, p.Arg617Pro (NM_001347827.2, NM_001347829.2); c.1925G>C, p.Arg642Pro (NM_001347828.2); c.1889G>C, p.Arg630Pro (NM_001347830.2); short protein forms R617P, R630P, R642P.
Identifiers: ClinVar variation 572557 (VCV000572557.12), dbSNP rs377318745, ClinGen allele CA356893458.

ClinVar aggregate classification (germline): Uncertain significance. Review status: criteria provided, multiple submitters, no conflicts (2 of 4 stars). 3 submissions from 3 submitters: Uncertain significance (3). Last evaluated 2026-01-28.

Conditions:
Polyps, multiple and recurrent inflammatory fibroid, gastrointestinal. Identifiers: MedGen C5193005, MONDO:0008285, OMIM 175510.
Gastrointestinal stromal tumor. Also called: Gastrointestinal stromal tumor, somatic; Gastrointestinal stroma tumor. Identifiers: Orphanet 44890, MedGen C0238198, MeSH D046152, MONDO:0011719, OMIM 606764, HP:0100723.
Hereditary cancer-predisposing syndrome. Also called: Hereditary Cancer Syndrome; Tumor predisposition; Neoplastic Syndromes, Hereditary; Hereditary neoplastic syndrome. Identifiers: Orphanet 140162, MedGen C0027672, MeSH D009386, MONDO:0015356.

Allele frequency attached by ClinVar (database versions not stated): gnomAD exomes 0.00001.
gnomAD v4.1: 21 of 1,613,862 alleles (0.0013%); highest among the groups gnomAD compares: Admixed American, 0.0017%; no homozygotes.

Submissions (3):

Labcorp Genetics (formerly Invitae), Labcorp
Classification: Uncertain significance for Gastrointestinal stromal tumor. Last evaluated: 2026-01-28. Review status: criteria provided, single submitter. Criteria: Invitae Variant Classification Sherloc (09022015). Collection method: clinical testing. Allele origin: germline.
Comment: This sequence change replaces arginine, which is basic and polar, with proline, which is neutral and non-polar, at codon 617 of the PDGFRA protein (p.Arg617Pro). This variant is present in population databases (no rsID available, gnomAD 0.003%). This variant has not been reported in the literature in individuals affected with PDGFRA-related conditions. ClinVar contains an entry for this variant (Variation ID: 572557). Invitae Evidence Modeling of protein sequence and biophysical properties (such as structural, functional, and spatial information, amino acid conservation, physicochemical variation, residue mobility, and thermodynamic stability) indicates that this missense variant is not expected to disrupt PDGFRA protein function with a negative predictive value of 80%. In summary, the available evidence is currently insufficient to determine the role of this variant in disease. Therefore, it has been classified as a Variant of Uncertain Significance.

Ambry Genetics
Classification: Uncertain significance for Hereditary cancer-predisposing syndrome. Last evaluated: 2023-11-02. Review status: criteria provided, single submitter. Criteria: Ambry Variant Classification Scheme 2023. Collection method: clinical testing. Allele origin: germline.
Comment: The p.R617P variant (also known as c.1850G>C), located in coding exon 12 of the PDGFRA gene, results from a G to C substitution at nucleotide position 1850. The arginine at codon 617 is replaced by proline, an amino acid with dissimilar properties. This amino acid position is well conserved in available vertebrate species. In addition, the in silico prediction for this alteration is inconclusive. Since supporting evidence is limited at this time, the clinical significance of this alteration remains unclear.

St. Jude Molecular Pathology, St. Jude Children's Research Hospital
Classification: Uncertain significance for Polyps, multiple and recurrent inflammatory fibroid, gastrointestinal. Last evaluated: 2023-03-13. Review status: criteria provided, single submitter. Criteria: St. Jude Assertion Criteria 2020. Collection method: clinical testing. Allele origin: germline.
Comment: The PDGFRA c.1850G>C (p.Arg617Pro) missense change has a maximum frequency of 0.0029% in gnomAD v2.1.1. The in silico tool REVEL is inconclusive about a pathogenic or benign effect of this variant on protein function, and to our knowledge functional studies have not been performed. To our knowledge, this variant has not been reported in individuals with PDGFRA-related conditions. In summary, the evidence currently available is insufficient to determine the clinical significance of this variant. It has therefore been classified as of uncertain significance.?